The following is an entry in ClinVar:

NM_025114.4(CEP290):c.3175A>C (p.Ile1059Leu)

Gene: CEP290 (centrosomal protein 290; minus strand). Cytogenetic location: 12q21.32.
Variant type: single nucleotide variant.
Coding change: c.3175A>C on transcript NM_025114.4 (MANE Select); coding-DNA position 3175, A replaced by C.
Protein change: p.Ile1059Leu; replaces isoleucine 1059 with leucine.
Molecular consequence: missense variant.
Genome position (GRCh38, 1-based): chr12:88,093,904, T>G on the plus strand (A>C on the coding strand, the complement: CEP290 is on the minus strand). VCF-style: chr12-88093904-T-G. GRCh37 (hg19) VCF-style: chr12-88487681-T-G.
Other names: short protein forms I1059L.
Identifiers: ClinVar variation 2162518 (VCV002162518.4), dbSNP rs771815959, ClinGen allele CA386006328.

ClinVar aggregate classification (germline): Uncertain significance (1 of 4 stars; one submission).

Conditions:
Joubert syndrome. Also called: CEREBELLOPARENCHYMAL DISORDER IV; JOUBERT-BOLTSHAUSER SYNDROME; Familial aplasia of the vermis. Identifiers: Orphanet 475, MedGen C5979921, MONDO:0018772.
Nephronophthisis. Also called: Juvenile Nephronophthisis. Identifiers: Orphanet 655, MedGen C0687120, MONDO:0019005, HP:0000090.
Meckel-Gruber syndrome. Also called: DYSENCEPHALIA SPLANCHNOCYSTICA; GRUBER SYNDROME; Dysencephalia splachnocystica. Identifiers: Orphanet 564, MedGen C0265215, MONDO:0018921.

gnomAD v4.1: 2 of 1,600,800 alleles (0.00012%); highest among the groups gnomAD compares: Non-Finnish European, 0.00017%; no homozygotes.

Submission:

Labcorp Genetics (formerly Invitae), Labcorp
Classification: Uncertain significance for Joubert syndrome; Meckel-Gruber syndrome; Nephronophthisis. Last evaluated: 2022-07-04. Review status: criteria provided, single submitter. Criteria: Invitae Variant Classification Sherloc (09022015). Collection method: clinical testing. Allele origin: germline.
Comment: Algorithms developed to predict the effect of missense changes on protein structure and function are either unavailable or do not agree on the potential impact of this missense change (SIFT: "Deleterious"; PolyPhen-2: "Probably Damaging"; Align-GVGD: "Class C0"). In summary, the available evidence is currently insufficient to determine the role of this variant in disease. Therefore, it has been classified as a Variant of Uncertain Significance. This variant has not been reported in the literature in individuals affected with CEP290-related conditions. This variant is present in population databases (no rsID available, gnomAD 0.0009%). This sequence change replaces isoleucine, which is neutral and non-polar, with leucine, which is neutral and non-polar, at codon 1059 of the CEP290 protein (p.Ile1059Leu).